The following is an entry in ClinVar:

NM_001080467.3(MYO5B):c.3594T>G (p.Asn1198Lys)

Gene: MYO5B (myosin VB; minus strand). Cytogenetic location: 18q21.1.
Variant type: single nucleotide variant.
Coding change: c.3594T>G on transcript NM_001080467.3 (MANE Select); coding-DNA position 3594, T replaced by G.
Protein change: p.Asn1198Lys; replaces asparagine 1198 with lysine.
Molecular consequence: missense variant.
Genome position (GRCh38, 1-based): chr18:49,872,176, A>C on the plus strand (T>G on the coding strand, the complement: MYO5B is on the minus strand). VCF-style: chr18-49872176-A-C. GRCh37 (hg19) VCF-style: chr18-47398546-A-C.
Other names: short protein forms N1198K.
Identifiers: ClinVar variation 4999707 (VCV004999707.1).
Genomic context (GRCh38, chr18:49,872,176, plus strand): 5'-TGCCCTCTGCCAGGGGAGTGTTCCAGGAAGCCTGTCCCCCAAGAATCTTACCTTCAGACT[A>C]TTGTAGGCCAGATCTGCATTCGGGTCCAAATCTATGTCAGTCTGTGGTGGTTCCGCCTGC-3'
Protein context (NP_001073936.1, residues 1188-1208): DLDPNADLAY[Asn1198Lys]SLKRQELESE

ClinVar aggregate classification (germline): Uncertain significance (1 of 4 stars; one submission).

Conditions:
MYO5B-related disorder. Also called: MYO5B-related condition.

gnomAD v4.1: 2 of 1,613,854 alleles (0.00012%); highest among the groups gnomAD compares: Admixed American, 0.0033%; no homozygotes.

Submission:

PreventionGenetics, part of Exact Sciences
Classification: Uncertain significance for MYO5B-related condition. Last evaluated: 2025-07-30. Review status: criteria provided, single submitter. Criteria: ACMG Guidelines, 2015. Collection method: clinical testing. Allele origin: germline.
Comment: The MYO5B c.3594T>G variant is predicted to result in the amino acid substitution p.Asn1198Lys. To our knowledge, this variant has not been reported in the literature or in a large population database (gnomAD), indicating this variant is rare. At this time, the clinical significance of this variant is uncertain due to the absence of conclusive functional and genetic evidence.